The following is an entry in ClinVar:

NM_004408.4(DNM1):c.1707C>T (p.Asn569=)

Gene: DNM1 (dynamin 1; plus strand). Cytogenetic location: 9q34.11.
Variant type: single nucleotide variant.
Coding change: c.1707C>T on transcript NM_004408.4 (MANE Select); coding-DNA position 1707, C replaced by T.
Protein change: p.Asn569=; no amino-acid change (asparagine 569 retained).
Molecular consequence: synonymous variant.
Genome position (GRCh38, 1-based): chr9:128,246,429, C>T. VCF-style: chr9-128246429-C-T. GRCh37 (hg19) VCF-style: chr9-131008708-C-T.
Other names: c.1707C>T, p.Asn569= (NM_001005336.3, NM_001288737.2, NM_001288738.2 and 1 more transcripts).
Identifiers: ClinVar variation 385138 (VCV000385138.46), dbSNP rs145318071, ClinGen allele CA5258322.

ClinVar aggregate classification (germline): Benign/Likely benign. Review status: criteria provided, multiple submitters, no conflicts (2 of 4 stars). 8 submissions from 8 submitters: Benign (1); Likely benign (5). 2 of the submissions do not count toward it. Last evaluated 2026-03-01.

Conditions:
Developmental and epileptic encephalopathy, 31A. Also called: Epileptic encephalopathy, early infantile, 31; Developmental and epileptic encephalopathy, 31. Identifiers: Orphanet 2382, MedGen C4225357, MONDO:0014598, OMIM 616346.
Inborn genetic diseases. Identifiers: MedGen C0950123, MeSH D030342.

Allele frequency attached by ClinVar (database versions not stated): ESP Exome Variant Server 0.00023; gnomAD 0.00039 and 0.00040; TOPMed 0.00042.
gnomAD v4.1: 437 of 1,614,126 alleles (0.027%); highest among the groups gnomAD compares: Middle Eastern, 0.69%; 1 homozygote.

Submissions (8):

CeGaT Center for Human Genetics Tuebingen
Classification: Likely benign. Last evaluated: 2026-03-01. Review status: criteria provided, single submitter. Criteria: CeGaT Center For Human Genetics Tuebingen Variant Classification Criteria Version 2. Collection method: clinical testing. Allele origin: germline. Affected: yes. Observed: 8 variant alleles.
Comment: DNM1: BP4, BP7

Labcorp Genetics (formerly Invitae), Labcorp
Classification: Likely benign for Developmental and epileptic encephalopathy, 31A. Last evaluated: 2026-01-24. Review status: criteria provided, single submitter. Criteria: Invitae Variant Classification Sherloc (09022015). Collection method: clinical testing. Allele origin: germline.

Blueprint Genetics
Classification: Likely benign. Last evaluated: 2024-10-23. Review status: criteria provided, single submitter. Criteria: ACMG Guidelines, 2015. Collection method: clinical testing. Allele origin: germline.

GeneDx
Classification: Benign. Last evaluated: 2020-07-21. Review status: criteria provided, single submitter. Criteria: GeneDx Variant Classification Process June 2021. Collection method: clinical testing. Allele origin: germline. Affected: yes.

Ambry Genetics
Classification: Likely benign for Inborn genetic diseases. Last evaluated: 2016-05-31. Review status: criteria provided, single submitter. Criteria: Ambry Variant Classification Scheme 2023. Collection method: clinical testing. Allele origin: germline.

Breakthrough Genomics
Classification: Likely benign. Review status: criteria provided, single submitter. Criteria: ACMG Guidelines, 2015. Collection method: not provided. Allele origin: germline. Inheritance: Autosomal dominant inheritance. Affected: yes.

Clinical Genetics DNA and cytogenetics Diagnostics Lab, Erasmus MC, Erasmus Medical Center
Classification: Likely benign. Review status: no assertion criteria provided. Collection method: clinical testing. Allele origin: germline. Affected: yes. Study: VKGL Data-share Consensus. Not counted in ClinVar's aggregate classification.

Genome Diagnostics Laboratory, University Medical Center Utrecht
Classification: Likely benign. Review status: no assertion criteria provided. Collection method: clinical testing. Allele origin: germline. Affected: yes. Study: VKGL Data-share Consensus. Not counted in ClinVar's aggregate classification.